The following is an entry in ClinVar:

NM_020987.5(ANK3):c.5061T>C (p.Asp1687=)

Gene: ANK3 (ankyrin 3; minus strand). Cytogenetic location: 10q21.2.
Variant type: single nucleotide variant.
Coding change: c.5061T>C on transcript NM_020987.5 (MANE Select); coding-DNA position 5061, T replaced by C.
Protein change: p.Asp1687=; no amino-acid change (aspartic acid 1687 retained).
Molecular consequence: synonymous variant. On other transcripts: intron variant (4).
Genome position (GRCh38, 1-based): chr10:60,075,820, A>G on the plus strand (T>C on the coding strand, the complement: ANK3 is on the minus strand). VCF-style: chr10-60075820-A-G. GRCh37 (hg19) VCF-style: chr10-61835578-A-G.
Other names: c.4387+4717T>C (NM_001204403.2); c.4408+4717T>C (NM_001204404.2); c.4405+4717T>C (NM_001320874.2); c.1807+4717T>C (NM_001149.4).
Identifiers: ClinVar variation 746029 (VCV000746029.16), dbSNP rs141929486, ClinGen allele CA5512066.

ClinVar aggregate classification (germline): Likely benign. Review status: criteria provided, multiple submitters, no conflicts (2 of 4 stars). 2 submissions from 2 submitters: Likely benign (2). Last evaluated 2025-10-01.

Allele frequency attached by ClinVar (database versions not stated): ExAC 0.00002; gnomAD exomes 0.00003 and 0.00004; TOPMed 0.00005; gnomAD 0.00007; ESP Exome Variant Server 0.00008.
gnomAD v4.1: 64 of 1,614,064 alleles (0.004%); highest among the groups gnomAD compares: Middle Eastern, 0.016%; no homozygotes.

Submissions (2):

CeGaT Center for Human Genetics Tuebingen
Classification: Likely benign. Last evaluated: 2025-10-01. Review status: criteria provided, single submitter. Criteria: CeGaT Center For Human Genetics Tuebingen Variant Classification Criteria Version 2. Collection method: clinical testing. Allele origin: germline. Affected: yes. Observed: 2 variant alleles.
Comment: ANK3: BP4, BP7

Labcorp Genetics (formerly Invitae), Labcorp
Classification: Likely benign. Last evaluated: 2024-02-17. Review status: criteria provided, single submitter. Criteria: Invitae Variant Classification Sherloc (09022015). Collection method: clinical testing. Allele origin: germline.